The following is an entry in ClinVar:

NM_001267550.2(TTN):c.36035G>T (p.Arg12012Leu)

Gene: TTN (titin; minus strand). Cytogenetic location: 2q31.2.
Variant type: single nucleotide variant.
Coding change: c.36035G>T on transcript NM_001267550.2 (MANE Select); coding-DNA position 36035, G replaced by T.
Protein change: p.Arg12012Leu; replaces arginine 12012 with leucine.
Molecular consequence: missense variant. On other transcripts: intron variant (5).
Genome position (GRCh38, 1-based): chr2:178,665,385, C>A on the plus strand (G>T on the coding strand, the complement: TTN is on the minus strand). VCF-style: chr2-178665385-C-A. GRCh37 (hg19) VCF-style: chr2-179530112-C-A.
Other names: c.13283-23068G>T (NM_003319.4); c.13859-23068G>T (NM_133437.4); c.13658-23068G>T (NM_133432.3); c.31484-2330G>T (NM_133378.4); c.34265-2330G>T (NM_001256850.1); short protein forms R12012L.
Identifiers: ClinVar variation 4977916 (VCV004977916.1).

ClinVar aggregate classification (germline): Uncertain significance (1 of 4 stars; one submission).

Conditions:
TTN-related disorder. Also called: TTN-related condition; TTN-related disease; TTN-related disorders.

gnomAD v4.1: 39 of 1,612,232 alleles (0.0024%); highest among the groups gnomAD compares: African/African-American, 0.04%; 1 homozygote.

Submission:

PreventionGenetics, part of Exact Sciences
Classification: Uncertain significance for TTN-related condition. Last evaluated: 2026-04-20. Review status: criteria provided, single submitter. Criteria: ACMG Guidelines, 2015. Collection method: clinical testing. Allele origin: germline.
Comment: The TTN c.36035G>T variant is predicted to result in the amino acid substitution p.Arg12012Leu. To our knowledge, this variant has not been reported in the literature. This variant is reported in 0.039% of alleles in individuals of African descent in gnomAD. At this time, the clinical significance of this variant is uncertain due to the absence of conclusive functional and genetic evidence.